The following is an entry in ClinVar:

NM_203447.4(DOCK8):c.5983G>C (p.Val1995Leu)

Gene: DOCK8 (dedicator of cytokinesis 8; plus strand). Cytogenetic location: 9p24.3.
Variant type: single nucleotide variant.
Coding change: c.5983G>C on transcript NM_203447.4 (MANE Select); coding-DNA position 5983, G replaced by C.
Protein change: p.Val1995Leu; replaces valine 1995 with leucine.
Molecular consequence: missense variant.
Genome position (GRCh38, 1-based): chr9:452,032, G>C. VCF-style: chr9-452032-G-C. GRCh37 (hg19) VCF-style: chr9-452032-G-C.
Other names: c.5683G>C, p.Val1895Leu (NM_001190458.2); c.5779G>C, p.Val1927Leu (NM_001193536.2); short protein forms V1895L, V1927L, V1995L.
Identifiers: ClinVar variation 2126679 (VCV002126679.2), dbSNP rs375023413, ClinGen allele CA4959640.

ClinVar aggregate classification (germline): Uncertain significance (1 of 4 stars; one submission).

Conditions:
Hyper-IgE recurrent infection syndrome 3, autosomal recessive. Also called: Autosomal recessive hyper-IgE syndrome due to ZNF341 deficiency; HYPER-IgE SYNDROME 3, AUTOSOMAL RECESSIVE, WITH RECURRENT INFECTIONS. Identifiers: Orphanet 641368, MedGen C4748969, MONDO:0032654, OMIM 618282.

Allele frequency attached by ClinVar (database versions not stated): TOPMed below 0.00001; gnomAD 0.00001.
gnomAD v4.1: 30 of 1,580,292 alleles (0.0019%); highest among the groups gnomAD compares: Non-Finnish European, 0.0026%; no homozygotes.

Submission:

Labcorp Genetics (formerly Invitae), Labcorp
Classification: Uncertain significance for Combined immunodeficiency due to DOCK8 deficiency. Last evaluated: 2022-04-16. Review status: criteria provided, single submitter. Criteria: Invitae Variant Classification Sherloc (09022015). Collection method: clinical testing. Allele origin: germline.
Comment: Algorithms developed to predict the effect of missense changes on protein structure and function are either unavailable or do not agree on the potential impact of this missense change (SIFT: "Deleterious"; PolyPhen-2: "Probably Damaging"; Align-GVGD: "Class C0"). This sequence change replaces valine, which is neutral and non-polar, with leucine, which is neutral and non-polar, at codon 1995 of the DOCK8 protein (p.Val1995Leu). This variant is present in population databases (rs375023413, gnomAD 0.0009%). This variant has not been reported in the literature in individuals affected with DOCK8-related conditions. In summary, the available evidence is currently insufficient to determine the role of this variant in disease. Therefore, it has been classified as a Variant of Uncertain Significance.